The following is an entry in ClinVar:

NM_000834.5(GRIN2B):c.2264del (p.Lys755fs)

Gene: GRIN2B (glutamate ionotropic receptor NMDA type subunit 2B; minus strand). Cytogenetic location: 12p13.1.
Variant type: Deletion.
Coding change: c.2264del on transcript NM_000834.5 (MANE Select); coding-DNA position 2264, one base deleted (A; older notation c.2264delA).
Protein change: p.Lys755fs; shifts the reading frame from lysine 755.
Molecular consequence: frameshift variant.
Genome position (GRCh38, 1-based): chr12:13,569,925, T deleted on the plus strand (A on the coding strand, the reverse complement: GRIN2B is on the minus strand); the first of 2 consecutive T bases (chr12:13,569,925-13,569,926); deleting either gives the same sequence. VCF-style (leftmost placement, unchanged base first): chr12-13569924-CT-C. GRCh37 (hg19) VCF-style: chr12-13722858-CT-C.
Other names: c.2264del, p.Lys755fs (NM_001413992.1); short protein forms K755fs.
Identifiers: ClinVar variation 4621152 (VCV004621152.1).

ClinVar aggregate classification (germline): Pathogenic (1 of 4 stars; one submission).

Conditions:
Inborn genetic diseases. Identifiers: MedGen C0950123, MeSH D030342.

Submission:

Ambry Genetics
Classification: Pathogenic for Inborn genetic diseases. Last evaluated: 2025-10-30. Review status: criteria provided, single submitter. Criteria: Ambry Variant Classification Scheme 2023. Collection method: clinical testing. Allele origin: germline.
Comment: The c.2264delA (p.K755Rfs*55) alteration, located in exon 11 (coding exon 10) of the GRIN2B gene, consists of a deletion of one nucleotide at position 2264, causing a translational frameshift with a predicted alternate stop codon after 55 amino acids. This alteration is expected to result in loss of function by premature protein truncation or nonsense-mediated mRNA decay. This variant was not reported in population-based cohorts in the Genome Aggregation Database (gnomAD). Based on the available evidence, this alteration is classified as pathogenic.